The following is an entry in ClinVar:

ClinVar aggregate classification (germline): Uncertain significance (1 of 4 stars; one submission).

Allele frequency attached by ClinVar (database versions not stated): gnomAD exomes below 0.00001 and 0.00001; gnomAD 0.00001; TOPMed 0.00001.
gnomAD v4.1: 7 of 1,613,802 alleles (0.00043%); highest among the groups gnomAD compares: East Asian, 0.0022%; no homozygotes.

Submission:

Labcorp Genetics (formerly Invitae), Labcorp
Classification: Uncertain significance. Last evaluated: 2022-07-06. Review status: criteria provided, single submitter. Criteria: Invitae Variant Classification Sherloc (09022015). Collection method: clinical testing. Allele origin: germline.
Comment: Algorithms developed to predict the effect of missense changes on protein structure and function are either unavailable or do not agree on the potential impact of this missense change (SIFT: "Deleterious"; PolyPhen-2: "Benign"; Align-GVGD: "Class C15"). In summary, the available evidence is currently insufficient to determine the role of this variant in disease. Therefore, it has been classified as a Variant of Uncertain Significance. ClinVar contains an entry for this variant (Variation ID: 1358602). This variant has not been reported in the literature in individuals affected with CASQ1-related conditions. This variant is present in population databases (no rsID available, gnomAD 0.002%). This sequence change replaces aspartic acid, which is acidic and polar, with glycine, which is neutral and non-polar, at codon 199 of the CASQ1 protein (p.Asp199Gly).

NM_001231.5(CASQ1):c.596A>G (p.Asp199Gly)

Gene: CASQ1 (calsequestrin 1; plus strand). Cytogenetic location: 1q23.2.
Variant type: single nucleotide variant.
Coding change: c.596A>G on transcript NM_001231.5 (MANE Select); coding-DNA position 596, A replaced by G.
Protein change: p.Asp199Gly; replaces aspartic acid 199 with glycine.
Molecular consequence: missense variant.
Genome position (GRCh38, 1-based): chr1:160,195,479, A>G. VCF-style: chr1-160195479-A-G. GRCh37 (hg19) VCF-style: chr1-160165269-A-G.
Other names: short protein forms D199G.
Identifiers: ClinVar variation 1358602 (VCV001358602.6), dbSNP rs965971963, ClinGen allele CA31497663.
Genomic context (GRCh38, chr1:160,195,479, plus strand): 5'-CCCTGGTTTCCCCAGAGACTGACTCTGCATTCCACCCCCCAGATTACAAAGCCTTCGAGG[A>G]TGCAGCTGAGGAGTTTCATCCCTACATCCCCTTCTTCGCCACCTTCGACAGCAAGGTTCT-3'
Protein context (NP_001222.3, residues 189-209): KDSEHYKAFE[Asp199Gly]AAEEFHPYIP